The following is an entry in ClinVar:

NC_000011.10:g.47347042A>T

Gene: MYBPC3 (myosin binding protein C3; minus strand). Cytogenetic location: 11p11.2.
Variant type: single nucleotide variant.
Genome position: GRCh38 VCF-style: chr11-47347042-A-T. GRCh37 (hg19) VCF-style: chr11-47368593-A-T.
Other names: c.906-13T>A (LRG_386t1, NM_000256.3).
Identifiers: ClinVar variation 181764 (VCV000181764.7), dbSNP rs730881219, ClinGen allele CA016018.
Genomic context (GRCh38, chr11:47,347,042, plus strand): 5'-CACCAGCGCCCTGCCGCCCCCAAACACCCAGACCCCGATTCTTACTCTCTGGGCCACAGC[A>T]GCAGCAGCCATAATGGAGGGGCCGGGGGAGAGGGAGAGAGAGGGCAGAGAGAACATAAGT-3'

ClinVar aggregate classification (germline): Uncertain significance. Review status: criteria provided, multiple submitters, no conflicts (2 of 4 stars). 2 submissions from 2 submitters: Uncertain significance (2). Last evaluated 2024-03-29.

Conditions:
Hypertrophic cardiomyopathy. Also called: HYPERTROPHIC MYOCARDIOPATHY. Identifiers: Orphanet 217569, MedGen C0007194, MeSH D002312, MONDO:0005045, HP:0001639.

Submissions (2):

Labcorp Genetics (formerly Invitae), Labcorp
Classification: Uncertain significance for Hypertrophic cardiomyopathy. Last evaluated: 2024-03-29. Review status: criteria provided, single submitter. Criteria: Invitae Variant Classification Sherloc (09022015). Collection method: clinical testing. Allele origin: germline.
Comment: This sequence change falls in intron 9 of the MYBPC3 gene. It does not directly change the encoded amino acid sequence of the MYBPC3 protein. This variant is not present in population databases (gnomAD no frequency). This variant has not been reported in the literature in individuals affected with MYBPC3-related conditions. ClinVar contains an entry for this variant (Variation ID: 181764). Algorithms developed to predict the effect of sequence changes on RNA splicing suggest that this variant may create or strengthen a splice site. In summary, the available evidence is currently insufficient to determine the role of this variant in disease. Therefore, it has been classified as a Variant of Uncertain Significance.

GeneDx
Classification: Uncertain significance. Last evaluated: 2023-04-24. Review status: criteria provided, single submitter. Criteria: GeneDx Variant Classification Process June 2021. Collection method: clinical testing. Allele origin: germline. Affected: yes.
Comment: Not observed at significant frequency in large population cohorts (gnomAD); In silico analysis supports a deleterious effect on splicing; Has not been previously published as pathogenic or benign to our knowledge